The following is an entry in ClinVar:

ClinVar aggregate classification (germline): Likely benign. Review status: criteria provided, multiple submitters, no conflicts (2 of 4 stars). 4 submissions from 4 submitters: Likely benign (4). Last evaluated 2026-01-13.

Conditions:
Cardiovascular phenotype. Identifiers: MedGen CN230736.
Brugada syndrome 8 (BRGDA8). Identifiers: Orphanet 130, MedGen C2751083, MONDO:0013148, OMIM 613123.

Allele frequency attached by ClinVar (database versions not stated): TOPMed 0.00011; gnomAD 0.00020 and 0.00022; gnomAD exomes 0.00021 and 0.00028; ExAC 0.00044; 1000 Genomes Project 30x 0.00047; 1000 Genomes Project 0.00060.
gnomAD v4.1: 337 of 1,599,948 alleles (0.021%); highest among the groups gnomAD compares: Non-Finnish European, 0.02%; no homozygotes.

Submissions (4):

Labcorp Genetics (formerly Invitae), Labcorp
Classification: Likely benign for Brugada syndrome 8. Last evaluated: 2026-01-13. Review status: criteria provided, single submitter. Criteria: Invitae Variant Classification Sherloc (09022015). Collection method: clinical testing. Allele origin: germline.

Blueprint Genetics
Classification: Likely benign. Last evaluated: 2024-10-18. Review status: criteria provided, single submitter. Criteria: ACMG Guidelines, 2015. Collection method: clinical testing. Allele origin: germline.

Ambry Genetics
Classification: Likely benign for Cardiovascular phenotype. Last evaluated: 2022-11-02. Review status: criteria provided, single submitter. Criteria: Ambry Variant Classification Scheme 2023. Collection method: clinical testing. Allele origin: germline.

GeneDx
Classification: Likely benign. Last evaluated: 2021-06-24. Review status: criteria provided, single submitter. Criteria: GeneDx Variant Classification Process June 2021. Collection method: clinical testing. Allele origin: germline. Affected: yes.
Comment: This variant is associated with the following publications: (PMID: 25642760, 24607718)

Literature cited by the submitters: PubMed 24607718 (cited by Ambry Genetics).

NM_005477.3(HCN4):c.2465C>T (p.Thr822Met)

Gene: HCN4 (hyperpolarization activated cyclic nucleotide gated potassium channel 4; minus strand). Cytogenetic location: 15q24.1.
Variant type: single nucleotide variant.
Coding change: c.2465C>T on transcript NM_005477.3 (MANE Select); coding-DNA position 2465, C replaced by T.
Protein change: p.Thr822Met; replaces threonine 822 with methionine.
Molecular consequence: missense variant.
Genome position (GRCh38, 1-based): chr15:73,323,628, G>A on the plus strand (C>T on the coding strand, the complement: HCN4 is on the minus strand). VCF-style: chr15-73323628-G-A. GRCh37 (hg19) VCF-style: chr15-73615969-G-A.
Other names: short protein forms T822M.
Identifiers: ClinVar variation 389291 (VCV000389291.16), dbSNP rs201143364, ClinGen allele CA7649023.